The following is an entry in ClinVar:

NM_001408.3(CELSR2):c.5912-4G>A

Gene: CELSR2 (cadherin EGF LAG seven-pass G-type receptor 2; plus strand). Cytogenetic location: 1p13.3.
Variant type: single nucleotide variant.
Coding change: c.5912-4G>A on transcript NM_001408.3 (MANE Select); 4 bases into the intron before coding-DNA position 5912, G replaced by A.
Molecular consequence: intron variant.
Genome position (GRCh38, 1-based): chr1:109,266,101, G>A. VCF-style: chr1-109266101-G-A. GRCh37 (hg19) VCF-style: chr1-109808723-G-A.
Identifiers: ClinVar variation 751441 (VCV000751441.25), dbSNP rs200806233, ClinGen allele CA987699.

ClinVar aggregate classification (germline): Likely benign. Review status: criteria provided, multiple submitters, no conflicts (2 of 4 stars). 2 submissions from 2 submitters: Likely benign (2). Last evaluated 2024-02-01.

Allele frequency attached by ClinVar (database versions not stated): TOPMed 0.00003; gnomAD 0.00004 and 0.00007; ESP Exome Variant Server 0.00008; gnomAD exomes 0.00011; 1000 Genomes Project 0.00020; ExAC 0.00020; 1000 Genomes Project 30x 0.00031.
gnomAD v4.1: 64 of 1,613,800 alleles (0.004%); highest among the groups gnomAD compares: East Asian, 0.058%; 1 homozygote.

Submissions (2):

CeGaT Center for Human Genetics Tuebingen
Classification: Likely benign. Last evaluated: 2024-02-01. Review status: criteria provided, single submitter. Criteria: CeGaT Center For Human Genetics Tuebingen Variant Classification Criteria Version 2. Collection method: clinical testing. Allele origin: germline. Affected: yes. Observed: 1 variant allele.
Comment: CELSR2: BP4, BS2

Labcorp Genetics (formerly Invitae), Labcorp
Classification: Likely benign. Last evaluated: 2018-09-24. Review status: criteria provided, single submitter. Criteria: Invitae Variant Classification Sherloc (09022015). Collection method: clinical testing. Allele origin: germline.